The following is an entry in ClinVar:

NM_003647.3(DGKE):c.568A>G (p.Ser190Gly)

Gene: DGKE (diacylglycerol kinase epsilon; plus strand). Cytogenetic location: 17q22.
Variant type: single nucleotide variant.
Coding change: c.568A>G on transcript NM_003647.3 (MANE Select); coding-DNA position 568, A replaced by G.
Protein change: p.Ser190Gly; replaces serine 190 with glycine.
Molecular consequence: missense variant.
Genome position (GRCh38, 1-based): chr17:56,844,122, A>G. VCF-style: chr17-56844122-A-G. GRCh37 (hg19) VCF-style: chr17-54921483-A-G.
Other names: p.Ser190Gly; short protein forms S190G.
Identifiers: ClinVar variation 636422 (VCV000636422.4), dbSNP rs376400766, ClinGen allele CA8663528.
Genomic context (GRCh38, chr17:56,844,122, plus strand): 5'-AATAGTTTAAAGAATGAAAAATGTGATTTTGGAGAATTCAAAAACCTAATCATTCCACCA[A>G]GTTATTTAACATCCATTAATCAGATGCGTAAAGACAAAAAAACAGATTATGAAGTGGTAA-3'
Protein context (NP_003638.1, residues 180-200): GEFKNLIIPP[Ser190Gly]YLTSINQMRK

ClinVar aggregate classification (germline): Uncertain significance. Review status: criteria provided, multiple submitters, no conflicts (2 of 4 stars). 3 submissions from 3 submitters: Uncertain significance (3). Last evaluated 2025-05-25.

Conditions:
Inborn genetic diseases. Identifiers: MedGen C0950123, MeSH D030342.

Allele frequency attached by ClinVar (database versions not stated): ExAC 0.00004; gnomAD exomes 0.00005; gnomAD 0.00010 and 0.00011; TOPMed 0.00011; ESP Exome Variant Server 0.00015.
gnomAD v4.1: 224 of 1,585,784 alleles (0.014%); highest among the groups gnomAD compares: Non-Finnish European, 0.018%; no homozygotes.

Submissions (3):

Ambry Genetics
Classification: Uncertain significance for Inborn genetic diseases. Last evaluated: 2025-05-25. Review status: criteria provided, single submitter. Criteria: Ambry Variant Classification Scheme 2023. Collection method: clinical testing. Allele origin: germline.

Blueprint Genetics
Classification: Uncertain significance. Last evaluated: 2023-06-23. Review status: criteria provided, single submitter. Criteria: ACMG Guidelines, 2015. Collection method: clinical testing. Allele origin: germline.

Mayo Clinic Laboratories, Mayo Clinic
Classification: Uncertain significance. Last evaluated: 2023-06-20. Review status: criteria provided, single submitter. Criteria: ACMG Guidelines, 2015. Collection method: clinical testing. Allele origin: germline. Observed: 1 variant allele.
Comment: BP4